The following is an entry in ClinVar:

NM_005097.4(LGI1):c.360-11A>G

Gene: LGI1 (leucine rich glioma inactivated 1; plus strand). Cytogenetic location: 10q23.33.
Variant type: single nucleotide variant.
Coding change: c.360-11A>G on transcript NM_005097.4 (MANE Select); 11 bases into the intron before coding-DNA position 360, A replaced by G.
Molecular consequence: intron variant.
Genome position (GRCh38, 1-based): chr10:93,777,535, A>G. VCF-style: chr10-93777535-A-G. GRCh37 (hg19) VCF-style: chr10-95537292-A-G.
Other names: c.360-11A>G (NM_001308275.2); c.288-12564A>G (NM_001308276.2).
Identifiers: ClinVar variation 4071865 (VCV004071865.1).
Genomic context (GRCh38, chr10:93,777,535, plus strand): 5'-CATGATGATTCAGGACAAGTACTCTCAAGTTCCTGTAACTGTTTGACAAAAAATATTATA[A>G]CTTATTGCAGATTCATAGAAAACAACAACATCAAGTCAATTTCAAGACATACTTTCCGGG-3'

ClinVar aggregate classification (germline): Uncertain significance (1 of 4 stars; one submission).

Submission:

GeneDx
Classification: Uncertain significance. Last evaluated: 2025-01-23. Review status: criteria provided, single submitter. Criteria: GeneDx Variant Classification Process June 2021. Collection method: clinical testing. Allele origin: germline. Affected: yes.
Comment: Not observed at significant frequency in large population cohorts (gnomAD); In silico analysis supports a deleterious effect on splicing; Has not been previously published as pathogenic or benign to our knowledge